The following is an entry in ClinVar:

NM_006073.4(TRDN):c.1875dup (p.Ala626fs)

Gene: TRDN (triadin; minus strand). Cytogenetic location: 6q22.31.
Variant type: Duplication.
Coding change: c.1875dup on transcript NM_006073.4 (MANE Select); coding-DNA position 1875, one base duplicated (A; older notation c.1875dupA).
Protein change: p.Ala626fs; shifts the reading frame from alanine 626.
Molecular consequence: frameshift variant.
Genome position (GRCh38, 1-based): chr6:123,255,898, T duplicated on the plus strand (A on the coding strand, the reverse complement: TRDN is on the minus strand); the first of 5 consecutive T bases (chr6:123,255,898-123,255,902); duplicating any one gives the same sequence. VCF-style (leftmost placement, unchanged base first): chr6-123255897-C-CT. GRCh37 (hg19) VCF-style: chr6-123577042-C-CT.
Other names: short protein forms A626fs.
Identifiers: ClinVar variation 1507568 (VCV001507568.7), dbSNP rs780443277, ClinGen allele CA3983708.

ClinVar aggregate classification (germline): Uncertain significance (1 of 4 stars; one submission).

Conditions:
Catecholaminergic polymorphic ventricular tachycardia 1. Also called: RYR2-Related Catecholaminergic Polymorphic Ventricular Tachycardia; VENTRICULAR TACHYCARDIA, STRESS-INDUCED POLYMORPHIC 1; VENTRICULAR TACHYCARDIA, CATECHOLAMINERGIC POLYMORPHIC, 1, WITH OR WITHOUT ATRIAL DYSFUNCTION AND/OR DILATED CARDIOMYOPATHY. Identifiers: Orphanet 3286, MedGen C1631597, MONDO:0011484, OMIM 604772.

Submission:

Labcorp Genetics (formerly Invitae), Labcorp
Classification: Uncertain significance for Catecholaminergic polymorphic ventricular tachycardia 1. Last evaluated: 2021-12-15. Review status: criteria provided, single submitter. Criteria: Invitae Variant Classification Sherloc (09022015). Collection method: clinical testing. Allele origin: germline.
Comment: In summary, the available evidence is currently insufficient to determine the role of this variant in disease. Therefore, it has been classified as a Variant of Uncertain Significance. This variant has not been reported in the literature in individuals affected with TRDN-related conditions. This variant is not present in population databases (gnomAD no frequency). This sequence change creates a premature translational stop signal (p.Ala626Serfs*7) in the TRDN gene. However, it is currently unclear if variants that occur in this region of the gene cause disease.